The following is an entry in ClinVar:

NM_001033044.4(GLUL):c.-14+955C>T

Gene: GLUL (glutamate-ammonia ligase; minus strand). Cytogenetic location: 1q25.3.
Variant type: single nucleotide variant.
Coding change: c.-14+955C>T on transcript NM_001033044.4 (MANE Select); 955 bases into the intron after 14 bases upstream of the start codon, C replaced by T.
Molecular consequence: intron variant. On other transcripts: 5 prime UTR variant (1).
Genome position (GRCh38, 1-based): chr1:182,390,724, G>A on the plus strand (C>T on the coding strand, the complement: GLUL is on the minus strand). VCF-style: chr1-182390724-G-A. GRCh37 (hg19) VCF-style: chr1-182359859-G-A.
Other names: c.-241C>T (NM_002065.7); c.-14+451C>T (NM_001033056.4).
Identifiers: ClinVar variation 293955 (VCV000293955.30), dbSNP rs370070318, ClinGen allele CA10608457.

ClinVar aggregate classification (germline): Conflicting classifications of pathogenicity. Review status: criteria provided, conflicting classifications (1 of 4 stars). 2 submissions from 2 submitters: Uncertain significance (1); Likely benign (1). Last evaluated 2026-04-01.

Conditions:
Congenital brain dysgenesis due to glutamine synthetase deficiency (GLND). Also called: GLUTAMINE SYNTHASE DEFICIENCY, CONGENITAL SYSTEMIC. Identifiers: Orphanet 71278, MedGen C1864910, MONDO:0012393, OMIM 610015.

Allele frequency attached by ClinVar (database versions not stated): TOPMed 0.00027; gnomAD 0.00032; gnomAD exomes 0.00040; 1000 Genomes Project 0.00060; 1000 Genomes Project 30x 0.00062.

Submissions (2):

CeGaT Center for Human Genetics Tuebingen
Classification: Likely benign. Last evaluated: 2026-04-01. Review status: criteria provided, single submitter. Criteria: CeGaT Center For Human Genetics Tuebingen Variant Classification Criteria Version 2. Collection method: clinical testing. Allele origin: germline. Affected: yes. Observed: 6 variant alleles.
Comment: GLUL: BP4, BP7

Illumina Laboratory Services, Illumina
Classification: Uncertain significance for Congenital brain dysgenesis due to glutamine synthetase deficiency. Last evaluated: 2018-01-13. Review status: criteria provided, single submitter. Criteria: ICSL Variant Classification Criteria 13 December 2019. Collection method: clinical testing. Allele origin: germline.